The following is an entry in ClinVar:

NM_001267550.2(TTN):c.1417A>T (p.Lys473Ter)

Gene: TTN (titin; minus strand). Cytogenetic location: 2q31.2.
Variant type: single nucleotide variant.
Coding change: c.1417A>T on transcript NM_001267550.2 (MANE Select); coding-DNA position 1417, A replaced by T.
Protein change: p.Lys473Ter; replaces lysine 473 with a stop codon.
Molecular consequence: nonsense.
Genome position (GRCh38, 1-based): chr2:178,793,523, T>A on the plus strand (A>T on the coding strand, the complement: TTN is on the minus strand). VCF-style: chr2-178793523-T-A. GRCh37 (hg19) VCF-style: chr2-179658250-T-A.
Other names: c.1417A>T, p.Lys473Ter (NM_001256850.1, NM_003319.4, NM_133378.4 and 3 more transcripts); short protein forms K473*.
Identifiers: ClinVar variation 1476878 (VCV001476878.8), dbSNP rs2154355442, ClinGen allele CA349513658.
Genomic context (GRCh38, chr2:178,793,523, plus strand): 5'-ATTTTAATTCTTGTTCCTTGGCTTTATCGGCGGCCACTACTACCTTAGTTACAGCAGTCT[T>A]CTCCGCTTCCTTTCTTACCTGCTTTTCATAGAGAAAGGAAGAAAACACCTTAATGCATCT-3'

ClinVar aggregate classification (germline): Likely pathogenic (1 of 4 stars; one submission).

Conditions:
Dilated cardiomyopathy 1G (CMD1G). Identifiers: Orphanet 154, MedGen C1858763, MONDO:0011400, OMIM 604145.
Autosomal recessive limb-girdle muscular dystrophy type 2J (LGMDR10). Also called: MUSCULAR DYSTROPHY, LIMB-GIRDLE, AUTOSOMAL RECESSIVE 10; Limb-girdle muscular dystrophy, type 2J. Identifiers: Orphanet 140922, MedGen C1837342, MONDO:0012127, OMIM 608807.

Submission:

Labcorp Genetics (formerly Invitae), Labcorp
Classification: Likely pathogenic for Dilated cardiomyopathy 1G; Autosomal recessive limb-girdle muscular dystrophy type 2J. Last evaluated: 2024-10-18. Review status: criteria provided, single submitter. Criteria: Invitae Variant Classification Sherloc (09022015). Collection method: clinical testing. Allele origin: germline.
Comment: This sequence change creates a premature translational stop signal (p.Lys473*) in the TTN gene. While this is not anticipated to result in nonsense mediated decay, it is expected to create a truncated TTN protein. This variant is not present in population databases (gnomAD no frequency). This variant has not been reported in the literature in individuals affected with TTN-related conditions. ClinVar contains an entry for this variant (Variation ID: 1476878). Algorithms developed to predict the effect of sequence changes on RNA splicing suggest that this variant may disrupt the consensus splice site. This variant is located in the Z band of TTN (PMID: 25589632). Truncating variants in this region have been reported in individuals affected with autosomal recessive centronuclear myopathy (PMID: 33449170, internal data). Truncating variants in this region have also been identified in individuals affected with autosomal dominant dilated cardiomyopathy and/or cardio-related conditions (PMID: 27869827, 32964742, internal data). In summary, the currently available evidence indicates that the variant is pathogenic, but additional data are needed to prove that conclusively. Therefore, this variant has been classified as Likely Pathogenic.

Literature cited by the submitters: PubMed 25589632; PubMed 33449170; PubMed 27869827; PubMed 32964742.